The following is an entry in ClinVar:

NM_020717.5(SHROOM4):c.3734C>T (p.Ser1245Leu)

Gene: SHROOM4 (shroom family member 4; minus strand). Cytogenetic location: Xp11.22.
Variant type: single nucleotide variant.
Coding change: c.3734C>T on transcript NM_020717.5 (MANE Select); coding-DNA position 3734, C replaced by T.
Protein change: p.Ser1245Leu; replaces serine 1245 with leucine.
Molecular consequence: missense variant. On other transcripts: non-coding transcript variant (4).
Genome position (GRCh38, 1-based): chrX:50,607,408, G>A on the plus strand (C>T on the coding strand, the complement: SHROOM4 is on the minus strand). VCF-style: chrX-50607408-G-A. GRCh37 (hg19) VCF-style: chrX-50350408-G-A.
Other names: short protein forms S1245L.
Identifiers: ClinVar variation 130311 (VCV000130311.14), dbSNP rs12689863, ClinGen allele CA155202.

ClinVar aggregate classification (germline): Benign. Review status: criteria provided, multiple submitters, no conflicts (2 of 4 stars). 4 submissions from 4 submitters: Benign (3). 1 of the submissions does not count toward it. Last evaluated 2015-09-25.

Allele frequency attached by ClinVar (database versions not stated): ESP Exome Variant Server 0.00284; gnomAD exomes 0.00834; gnomAD 0.01172; 1000 Genomes Project 30x 0.04246; 1000 Genomes Project 0.04556.
gnomAD v4.1: 10,542 of 1,208,991 alleles (0.87%); highest among the groups gnomAD compares: East Asian, 20%; 542 homozygotes.

Submissions (4):

Ambry Genetics
Classification: Benign. Last evaluated: 2015-09-25. Review status: criteria provided, single submitter. Criteria: Ambry Variant Classification Scheme 2023. Collection method: clinical testing. Allele origin: germline.

Eurofins Ntd Llc (ga)
Classification: Benign. Last evaluated: 2014-11-06. Review status: criteria provided, single submitter. Criteria: EGL Classification Definitions 2015. Collection method: clinical testing. Allele origin: germline. Observed: 2 variant alleles, 2 hemizygotes.

Breakthrough Genomics
Classification: Benign. Review status: criteria provided, single submitter. Criteria: ACMG Guidelines, 2015. Collection method: not provided. Allele origin: germline. Inheritance: Unknown mechanism. Affected: yes.

Genetic Services Laboratory, University of Chicago
Classification: Likely benign for AllHighlyPenetrant. Review status: no assertion criteria provided. Collection method: clinical testing. Allele origin: germline. Inheritance: X-linked inheritance. Not counted in ClinVar's aggregate classification.
Comment: Likely benign based on allele frequency in 1000 Genomes Project or ESP global frequency and its presence in a patient with a rare or unrelated disease phenotype. NOT Sanger confirmed.